The following is an entry in ClinVar:

ClinVar aggregate classification (germline): Uncertain significance (1 of 4 stars; one submission).

Conditions:
Bifunctional peroxisomal enzyme deficiency (DBIF). Also called: DBP DEFICIENCY; PBFE DEFICIENCY; D-bifunctional protein deficiency. Identifiers: Orphanet 300, MedGen C0342870, MONDO:0009855, OMIM 261515. Disease mechanism: loss of function.
Perrault syndrome. Also called: Gonadal dysgenesis with auditory dysfunction, autosomal recessive inheritance. Identifiers: Orphanet 2855, MedGen C0685838, MONDO:0017312.

Submission:

Labcorp Genetics (formerly Invitae), Labcorp
Classification: Uncertain significance for Perrault syndrome; Bifunctional peroxisomal enzyme deficiency. Last evaluated: 2022-06-19. Review status: criteria provided, single submitter. Criteria: Invitae Variant Classification Sherloc (09022015). Collection method: clinical testing. Allele origin: germline.
Comment: In summary, the available evidence is currently insufficient to determine the role of this variant in disease. Therefore, it has been classified as a Variant of Uncertain Significance. Algorithms developed to predict the effect of missense changes on protein structure and function are either unavailable or do not agree on the potential impact of this missense change (SIFT: "Deleterious"; PolyPhen-2: "Benign"; Align-GVGD: "Class C0"). This variant has not been reported in the literature in individuals affected with HSD17B4-related conditions. This variant is not present in population databases (gnomAD no frequency). This sequence change replaces aspartic acid, which is acidic and polar, with alanine, which is neutral and non-polar, at codon 113 of the HSD17B4 protein (p.Asp113Ala).

NM_000414.4(HSD17B4):c.338A>C (p.Asp113Ala)

Gene: HSD17B4 (hydroxysteroid 17-beta dehydrogenase 4; plus strand). Cytogenetic location: 5q23.1.
Variant type: single nucleotide variant.
Coding change: c.338A>C on transcript NM_000414.4 (MANE Select); coding-DNA position 338, A replaced by C.
Protein change: p.Asp113Ala; replaces aspartic acid 113 with alanine.
Molecular consequence: missense variant. On other transcripts: 5 prime UTR variant (5), non-coding transcript variant (2), intron variant (1).
Genome position (GRCh38, 1-based): chr5:119,475,859, A>C. VCF-style: chr5-119475859-A-C. GRCh37 (hg19) VCF-style: chr5-118811554-A-C.
Other names: c.413A>C, p.Asp138Ala (NM_001199291.3); c.284A>C, p.Asp95Ala (NM_001199292.2); c.266A>C, p.Asp89Ala (NM_001292027.2); c.-74A>C (NM_001292028.2, NM_001374501.1, NM_001374502.1 and 1 more transcripts); c.338A>C, p.Asp113Ala (NM_001374497.1, NM_001374498.1); c.-201A>C (NM_001374500.1); c.22+132A>C (NM_001374499.1); short protein forms D113A, D95A, D138A, D89A.
Identifiers: ClinVar variation 2003066 (VCV002003066.4), dbSNP rs2531610603, ClinGen allele CA360864993.